The following is an entry in ClinVar:

NM_001122752.2(SERPINI1):c.493G>A (p.Asp165Asn)

Gene: SERPINI1 (serpin family I member 1; plus strand). Cytogenetic location: 3q26.1.
Variant type: single nucleotide variant.
Coding change: c.493G>A on transcript NM_001122752.2 (MANE Select); coding-DNA position 493, G replaced by A.
Protein change: p.Asp165Asn; replaces aspartic acid 165 with asparagine.
Molecular consequence: missense variant.
Genome position (GRCh38, 1-based): chr3:167,792,601, G>A. VCF-style: chr3-167792601-G-A. GRCh37 (hg19) VCF-style: chr3-167510389-G-A.
Other names: c.493G>A, p.Asp165Asn (NM_005025.5); short protein forms D165N.
Identifiers: ClinVar variation 1021441 (VCV001021441.8), dbSNP rs1453020878, ClinGen allele CA355156453.

ClinVar aggregate classification (germline): Uncertain significance (1 of 4 stars; one submission).

Conditions:
Familial encephalopathy with neuroserpin inclusion bodies. Also called: ENCEPHALOPATHY, FAMILIAL, WITH COLLINS BODIES. Identifiers: Orphanet 85110, MedGen C1858680, MONDO:0011412, OMIM 604218.

Allele frequency attached by ClinVar (database versions not stated): gnomAD exomes below 0.00001; gnomAD 0.00001.
gnomAD v4.1: 7 of 1,613,262 alleles (0.00043%); highest among the groups gnomAD compares: Non-Finnish European, 0.00059%; no homozygotes.

Submission:

Labcorp Genetics (formerly Invitae), Labcorp
Classification: Uncertain significance for Familial encephalopathy with neuroserpin inclusion bodies. Last evaluated: 2025-04-11. Review status: criteria provided, single submitter. Criteria: Invitae Variant Classification Sherloc (09022015). Collection method: clinical testing. Allele origin: germline.
Comment: This sequence change replaces aspartic acid, which is acidic and polar, with asparagine, which is neutral and polar, at codon 165 of the SERPINI1 protein (p.Asp165Asn). This variant is present in population databases (no rsID available, gnomAD 0.002%). This variant has not been reported in the literature in individuals affected with SERPINI1-related conditions. ClinVar contains an entry for this variant (Variation ID: 1021441). Invitae Evidence Modeling of protein sequence and biophysical properties (such as structural, functional, and spatial information, amino acid conservation, physicochemical variation, residue mobility, and thermodynamic stability) indicates that this missense variant is not expected to disrupt SERPINI1 protein function with a negative predictive value of 80%. In summary, the available evidence is currently insufficient to determine the role of this variant in disease. Therefore, it has been classified as a Variant of Uncertain Significance.